The following is an entry in ClinVar:

ClinVar aggregate classification (germline): Likely pathogenic (1 of 4 stars; one submission).

Conditions:
Mitochondrial complex I deficiency, nuclear type 2. Also called: Mitochondrial complex 1 deficiency, nuclear type 2. Identifiers: MedGen C4748737, MONDO:0032606, OMIM 618222.

Submission:

Service de Génétique Médicale, Centre Hospitalier Universitaire de Nice-Université Côte d'Azur
Classification: Likely pathogenic for Mitochondrial complex I deficiency, nuclear type 2. Last evaluated: 2024-02-27. Review status: criteria provided, single submitter. Criteria: ACMG Guidelines, 2015. Collection method: clinical testing. Allele origin: germline. Affected: yes.

Literature cited by the submitters: PubMed 38703036.

NM_002496.4(NDUFS8):c.342C>A (p.Cys114Ter)

Gene: NDUFS8 (NADH:ubiquinone oxidoreductase core subunit S8; plus strand). Cytogenetic location: 11q13.2.
Variant type: single nucleotide variant.
Coding change: c.342C>A on transcript NM_002496.4 (MANE Select); coding-DNA position 342, C replaced by A.
Protein change: p.Cys114Ter; replaces cysteine 114 with a stop codon.
Molecular consequence: nonsense.
Genome position (GRCh38, 1-based): chr11:68,033,253, C>A. VCF-style: chr11-68033253-C-A. GRCh37 (hg19) VCF-style: chr11-67800720-C-A.
Other names: short protein forms C114*.
Identifiers: ClinVar variation 3767219 (VCV003767219.1).